The following is an entry in ClinVar:

NM_016169.4(SUFU):c.212T>A (p.Val71Asp)

Gene: SUFU (SUFU negative regulator of hedgehog signaling; plus strand). Cytogenetic location: 10q24.32.
Variant type: single nucleotide variant.
Coding change: c.212T>A on transcript NM_016169.4 (MANE Select); coding-DNA position 212, T replaced by A.
Protein change: p.Val71Asp; replaces valine 71 with aspartic acid.
Molecular consequence: missense variant.
Genome position (GRCh38, 1-based): chr10:102,509,198, T>A. VCF-style: chr10-102509198-T-A. GRCh37 (hg19) VCF-style: chr10-104268955-T-A.
Other names: c.212T>A, p.Val71Asp (NM_001178133.2); short protein forms V71D.
Identifiers: ClinVar variation 4783150 (VCV004783150.2).

ClinVar aggregate classification (germline): Uncertain significance. Review status: criteria provided, multiple submitters, no conflicts (2 of 4 stars). 2 submissions from 2 submitters: Uncertain significance (2). Last evaluated 2026-04-11.

Conditions:
Hereditary cancer-predisposing syndrome. Also called: Hereditary neoplastic syndrome; Neoplastic Syndromes, Hereditary; Tumor predisposition; Hereditary Cancer Syndrome. Identifiers: Orphanet 140162, MedGen C0027672, MeSH D009386, MONDO:0015356.
Gorlin syndrome. Also called: Nevoid Basal Cell Carcinoma Syndrome; Basal cell nevus syndrome. Identifiers: Orphanet 377, MedGen C0004779, MONDO:0007187.
Medulloblastoma (MDB). Also called: Medulloblastoma, somatic; MEDULLOBLASTOMA PREDISPOSITION SYNDROME. Identifiers: Orphanet 616, MedGen C0025149, MeSH D008527, MONDO:0007959, OMIM 155255, HP:0002885.

Submissions (2):

Ambry Genetics
Classification: Uncertain significance for Hereditary cancer-predisposing syndrome. Last evaluated: 2026-04-11. Review status: criteria provided, single submitter. Criteria: Ambry Variant Classification Scheme 2023. Collection method: clinical testing. Allele origin: germline.
Comment: The p.V71D variant (also known as c.212T>A), located in coding exon 2 of the SUFU gene, results from a T to A substitution at nucleotide position 212. The valine at codon 71 is replaced by aspartic acid, an amino acid with highly dissimilar properties. This amino acid position is conserved. In addition, this alteration is predicted to be deleterious by in silico analysis. Based on the available evidence, the clinical significance of this variant remains unclear.

Labcorp Genetics (formerly Invitae), Labcorp
Classification: Uncertain significance for Gorlin syndrome; Medulloblastoma. Last evaluated: 2025-08-24. Review status: criteria provided, single submitter. Criteria: Invitae Variant Classification Sherloc (09022015). Collection method: clinical testing. Allele origin: germline.
Comment: This sequence change replaces valine, which is neutral and non-polar, with aspartic acid, which is acidic and polar, at codon 71 of the SUFU protein (p.Val71Asp). This variant is not present in population databases (gnomAD no frequency). This variant has not been reported in the literature in individuals affected with SUFU-related conditions. Invitae Evidence Modeling of protein sequence and biophysical properties (such as structural, functional, and spatial information, amino acid conservation, physicochemical variation, residue mobility, and thermodynamic stability) indicates that this missense variant is not expected to disrupt SUFU protein function with a negative predictive value of 80%. In summary, the available evidence is currently insufficient to determine the role of this variant in disease. Therefore, it has been classified as a Variant of Uncertain Significance.